The following is an entry in ClinVar:

NM_002055.5(GFAP):c.368T>C (p.Leu123Pro)

Gene: GFAP (glial fibrillary acidic protein; minus strand). Cytogenetic location: 17q21.31.
Variant type: single nucleotide variant.
Coding change: c.368T>C on transcript NM_002055.5 (MANE Select); coding-DNA position 368, T replaced by C.
Protein change: p.Leu123Pro; replaces leucine 123 with proline.
Molecular consequence: missense variant.
Genome position (GRCh38, 1-based): chr17:44,915,119, A>G on the plus strand (T>C on the coding strand, the complement: GFAP is on the minus strand). VCF-style: chr17-44915119-A-G. GRCh37 (hg19) VCF-style: chr17-42992487-A-G.
Other names: NM_002055.5(GFAP):c.368T>C; p.Leu123Pro; c.368T>C, p.Leu123Pro (NM_001131019.3, NM_001242376.3, NM_001363846.2); short protein forms L123P.
Identifiers: ClinVar variation 1801329 (VCV001801329.2), dbSNP rs2508948888, ClinGen allele CA399848237.

ClinVar aggregate classification (germline): Uncertain significance. Review status: reviewed by expert panel (3 of 4 stars). 2 submissions from 2 submitters: Uncertain significance (1). 1 of the submissions does not count toward it. Last evaluated 2026-08-18.

Conditions:
Alexander disease (ALXDRD). Also called: Alexander's disease. Identifiers: Orphanet 58, MedGen C0270726, MONDO:0008752, OMIM 203450.

Submissions (2):

ClinGen Leukodystrophy and Leukoencephalopathy Variant Curation Expert Panel, ClinGen
Classification: Uncertain significance for Alexander disease. Last evaluated: 2026-08-18. Review status: reviewed by expert panel. Criteria: ClinGen Leuko ACMG Specifications GFAP V1.0. Collection method: curation. Allele origin: germline. Inheritance: Autosomal dominant inheritance.
Comment: The NM_002055.5(GFAP):c.368T>C, variant in GFAP is a missense variant predicited to cause a substitution of leucine by proline at amino acid 123 (p.Leu123Pro). This variant has been reported in 2 probands who met diagnostic criteria for Alexander Disease per ClinGen Leukodystrophy and Leukoencephalopathy Expert Panel Specifications to the ACMG/AMP Variant Interpretation Guidelines for GFAP Version 1.0.0 (PS4_Supporting; PMID: 29491332, Accession: VCV001801329.1) This variant is absent from gnomAD v[4.1.1] (PM2_Supporting). In summary, this variant meets the criteria to be classified as a Variant of Uncertain Significance for Alexander Disease based on the ACMG/AMP criteria applied, as specified by the ClinGen Leukodystrophy and Leukoencephalopathy VCEP: PS4_Supporting, PM2_Supporting (ClinGen Leukodystrophy and Leukoencephalopathy VCEP Specifications Version 1.0.0).

Institute of Medical Genetics and Applied Genomics, University Hospital Tübingen
Classification: Likely pathogenic for Alexander disease. Last evaluated: 2022-12-01. Review status: criteria provided, single submitter. Criteria: ACMG Guidelines, 2015. Collection method: clinical testing. Allele origin: germline. Inheritance: Autosomal dominant inheritance. Affected: yes. Not counted in ClinVar's aggregate classification.